The following is an entry in ClinVar:

ClinVar aggregate classification (germline): Uncertain significance (1 of 4 stars; one submission).

Conditions:
Hereditary cancer-predisposing syndrome. Also called: Neoplastic Syndromes, Hereditary; Tumor predisposition; Hereditary Cancer Syndrome; Hereditary neoplastic syndrome. Identifiers: Orphanet 140162, MedGen C0027672, MeSH D009386, MONDO:0015356.

Submission:

Ambry Genetics
Classification: Uncertain significance for Hereditary cancer-predisposing syndrome. Last evaluated: 2025-10-20. Review status: criteria provided, single submitter. Criteria: Ambry Variant Classification Scheme 2023. Collection method: clinical testing. Allele origin: germline.
Comment: The c.862_863delTCinsCT variant (also known as p.S288L), located in coding exon 9 of the NF2 gene, results from an in-frame deletion of TC and insertion of CT at nucleotide positions 862 to 863. This results in the substitution of the serine residue for a leucine residue at codon 288, an amino acid with dissimilar properties. This amino acid position is highly conserved in available vertebrate species. In addition, this alteration is predicted to be deleterious by in silico analysis. Based on the available evidence, the clinical significance of this variant remains unclear.

NM_000268.4(NF2):c.862_863delinsCT (p.Ser288Leu)

Gene: NF2 (NF2, moesin-ezrin-radixin like (MERLIN) tumor suppressor; plus strand). Cytogenetic location: 22q12.2.
Variant type: Indel.
Coding change: c.862_863delinsCT on transcript NM_000268.4 (MANE Select); coding-DNA positions 862 to 863, TC replaced by CT.
Protein change: p.Ser288Leu; replaces serine 288 with leucine.
Molecular consequence: missense variant. On other transcripts: non-coding transcript variant (1), intron variant (1).
Genome position (GRCh38, 1-based): chr22:29,665,041-29,665,042, TC replaced by CT. VCF-style: chr22-29665041-TC-CT. GRCh37 (hg19) VCF-style: chr22-30061030-TC-CT.
Other names: c.862_863delinsCT, p.Ser288Leu (NM_016418.5, NM_181825.3, NM_181832.3 and 2 more transcripts); c.736_737delinsCT, p.Ser246Leu (NM_181828.3, NM_001407055.1); c.739_740delinsCT, p.Ser247Leu (NM_181829.3, NM_001407054.1, NM_001407058.1); c.613_614delinsCT, p.Ser205Leu (NM_181830.3, NM_181831.3, NM_001407063.1 and 1 more transcripts); c.447+22756_447+22757delinsCT (NM_181833.3); c.748_749delinsCT, p.Ser250Leu (NM_001407053.1, NM_001407056.1); c.727_728delinsCT, p.Ser243Leu (NM_001407057.1, NM_001407059.1); c.604_605delinsCT, p.Ser202Leu (NM_001407062.1); and 2 more; short protein forms S202L, S243L, S250L, S246L, S288L, S211L, S110L, S205L.
Identifiers: ClinVar variation 4661421 (VCV004661421.1).